The following is an entry in ClinVar:

ClinVar aggregate classification (germline): Uncertain significance (1 of 4 stars; one submission).

Conditions:
Hereditary cancer-predisposing syndrome. Also called: Neoplastic Syndromes, Hereditary; Tumor predisposition; Hereditary Cancer Syndrome; Hereditary neoplastic syndrome. Identifiers: Orphanet 140162, MedGen C0027672, MeSH D009386, MONDO:0015356.
Cardiovascular phenotype. Identifiers: MedGen CN230736.

gnomAD v4.1: 2 of 1,612,836 alleles (0.00012%); highest among the groups gnomAD compares: Non-Finnish European, 0.00017%; no homozygotes.

Submission:

Ambry Genetics
Classification: Uncertain significance for Cardiovascular phenotype; Hereditary cancer-predisposing syndrome. Last evaluated: 2022-01-15. Review status: criteria provided, single submitter. Criteria: Ambry Variant Classification Scheme 2023. Collection method: clinical testing. Allele origin: germline.
Comment: The p.V1006G variant (also known as c.3017T>G), located in coding exon 23 of the NF1 gene, results from a T to G substitution at nucleotide position 3017. The valine at codon 1006 is replaced by glycine, an amino acid with dissimilar properties. This amino acid position is conserved. In addition, the in silico prediction for this alteration is inconclusive. Since supporting evidence is limited at this time, the clinical significance of this alteration remains unclear.

NM_001042492.3(NF1):c.3017T>G (p.Val1006Gly)

Gene: NF1 (neurofibromin 1; plus strand). Cytogenetic location: 17q11.2.
Variant type: single nucleotide variant.
Coding change: c.3017T>G on transcript NM_001042492.3 (MANE Select); coding-DNA position 3017, T replaced by G.
Protein change: p.Val1006Gly; replaces valine 1006 with glycine.
Molecular consequence: missense variant.
Genome position (GRCh38, 1-based): chr17:31,230,286, T>G. VCF-style: chr17-31230286-T-G. GRCh37 (hg19) VCF-style: chr17-29557304-T-G.
Other names: c.3017T>G, p.Val1006Gly (NM_000267.4); short protein forms V1006G.
Identifiers: ClinVar variation 1798872 (VCV001798872.2), dbSNP rs755636107, ClinGen allele CA398986596.